The following is an entry in ClinVar:

ClinVar aggregate classification (germline): Likely benign (0 of 4 stars; one submission).

Conditions:
TREH-related disorder. Also called: TREH-related condition.

Allele frequency attached by ClinVar (database versions not stated): gnomAD 0.00001; TOPMed 0.00001; gnomAD exomes 0.00002; ExAC 0.00003.
gnomAD v4.1: 32 of 1,613,608 alleles (0.002%); highest among the groups gnomAD compares: East Asian, 0.018%; no homozygotes.

Submission:

PreventionGenetics, part of Exact Sciences
Classification: Likely benign for TREH-related condition. Last evaluated: 2019-04-08. Review status: no assertion criteria provided. Collection method: clinical testing. Allele origin: germline.
Comment: This variant is classified as likely benign based on ACMG/AMP sequence variant interpretation guidelines (Richards et al. 2015 PMID: 25741868, with internal and published modifications).

NM_007180.3(TREH):c.645C>T (p.Arg215=)

Gene: TREH (trehalase; minus strand). Cytogenetic location: 11q23.3.
Variant type: single nucleotide variant.
Coding change: c.645C>T on transcript NM_007180.3 (MANE Select); coding-DNA position 645, C replaced by T.
Protein change: p.Arg215=; no amino-acid change (arginine 215 retained).
Molecular consequence: synonymous variant.
Genome position (GRCh38, 1-based): chr11:118,661,482, G>A on the plus strand (C>T on the coding strand, the complement: TREH is on the minus strand). VCF-style: chr11-118661482-G-A. GRCh37 (hg19) VCF-style: chr11-118532191-G-A.
Other names: c.552C>T, p.Arg184= (NM_001301065.2).
Identifiers: ClinVar variation 3058067 (VCV003058067.2), dbSNP rs781966736, ClinGen allele CA6308040.